The following is an entry in ClinVar:

NM_000153.4(GALC):c.484G>A (p.Asp162Asn)

Gene: GALC (galactosylceramidase; minus strand). Cytogenetic location: 14q31.3.
Variant type: single nucleotide variant.
Coding change: c.484G>A on transcript NM_000153.4 (MANE Select); coding-DNA position 484, G replaced by A.
Protein change: p.Asp162Asn; replaces aspartic acid 162 with asparagine.
Molecular consequence: missense variant.
Genome position (GRCh38, 1-based): chr14:87,984,492, C>T on the plus strand (G>A on the coding strand, the complement: GALC is on the minus strand). VCF-style: chr14-87984492-C-T. GRCh37 (hg19) VCF-style: chr14-88450836-C-T.
Other names: c.415G>A, p.Asp139Asn (NM_001201401.2); c.406G>A, p.Asp136Asn (NM_001201402.2); c.484G>A (NM_000153.3); short protein forms D136N, D162N, D139N.
Identifiers: ClinVar variation 2151391 (VCV002151391.2), dbSNP rs534598133, ClinGen allele CA7297346.

ClinVar aggregate classification (germline): Conflicting classifications of pathogenicity. Review status: criteria provided, conflicting classifications (1 of 4 stars). 2 submissions from 2 submitters: Uncertain significance (1); Likely benign (1). Last evaluated 2025-11-19.

Conditions:
Inborn genetic diseases. Identifiers: MedGen C0950123, MeSH D030342.
Galactosylceramide beta-galactosidase deficiency. Also called: Leukodystrophy, Globoid Cell; GALACTOCEREBROSIDASE DEFICIENCY; GALC DEFICIENCY; GLOBOID CELL LEUKOENCEPHALOPATHY; Krabbe Disease. Identifiers: Orphanet 487, MedGen C0023521, MONDO:0009499, OMIM 245200.

Allele frequency attached by ClinVar (database versions not stated): gnomAD exomes below 0.00001; TOPMed below 0.00001; gnomAD 0.00003; ExAC 0.00005; 1000 Genomes Project 30x 0.00031; 1000 Genomes Project 0.00040.
gnomAD v4.1: 9 of 1,614,110 alleles (0.00056%); highest among the groups gnomAD compares: East Asian, 0.013%; no homozygotes.

Submissions (2):

Ambry Genetics
Classification: Likely benign for Inborn genetic diseases. Last evaluated: 2025-11-19. Review status: criteria provided, single submitter. Criteria: Ambry Variant Classification Scheme 2023. Collection method: clinical testing. Allele origin: germline.

Labcorp Genetics (formerly Invitae), Labcorp
Classification: Uncertain significance for Galactosylceramide beta-galactosidase deficiency. Last evaluated: 2022-03-04. Review status: criteria provided, single submitter. Criteria: Invitae Variant Classification Sherloc (09022015). Collection method: clinical testing. Allele origin: germline.
Comment: This sequence change replaces aspartic acid, which is acidic and polar, with asparagine, which is neutral and polar, at codon 162 of the GALC protein (p.Asp162Asn). This variant is present in population databases (rs534598133, gnomAD 0.04%). This variant has not been reported in the literature in individuals affected with GALC-related conditions. Advanced modeling of protein sequence and biophysical properties (such as structural, functional, and spatial information, amino acid conservation, physicochemical variation, residue mobility, and thermodynamic stability) performed at Invitae indicates that this missense variant is not expected to disrupt GALC protein function. In summary, the available evidence is currently insufficient to determine the role of this variant in disease. Therefore, it has been classified as a Variant of Uncertain Significance.